The following is an entry in ClinVar:

ClinVar aggregate classification (germline): Uncertain significance (1 of 4 stars; one submission).

Conditions:
Neuropathy, hereditary sensory and autonomic, type 2A (HSAN2A). Also called: WNK1-Related HSAN2 (HSAN2A); ACROOSTEOLYSIS, GIACCAI TYPE; ACROOSTEOLYSIS, NEUROGENIC; MORVAN DISEASE; NEUROPATHY, CONGENITAL SENSORY; NEUROPATHY, HEREDITARY SENSORY RADICULAR, AUTOSOMAL RECESSIVE. Identifiers: Orphanet 970, MedGen C2752089, MONDO:0024309, OMIM 201300.
Pseudohypoaldosteronism type 2C (PHA2C). Also called: Pseudohypoaldosteronism Type IIC. Identifiers: Orphanet 757, Orphanet 88940, MedGen C1840391, MONDO:0013778, OMIM 614492.

Submission:

Labcorp Genetics (formerly Invitae), Labcorp
Classification: Uncertain significance for Neuropathy, hereditary sensory and autonomic, type 2A; Pseudohypoaldosteronism type 2C. Last evaluated: 2025-10-13. Review status: criteria provided, single submitter. Criteria: Invitae Variant Classification Sherloc (09022015). Collection method: clinical testing. Allele origin: germline.
Comment: This sequence change replaces glutamic acid, which is acidic and polar, with glutamine, which is neutral and polar, at codon 192 of the WNK1 protein (p.Glu192Gln). This variant is not present in population databases (gnomAD no frequency). This variant has not been reported in the literature in individuals affected with WNK1-related conditions. Invitae Evidence Modeling of protein sequence and biophysical properties (such as structural, functional, and spatial information, amino acid conservation, physicochemical variation, residue mobility, and thermodynamic stability) indicates that this missense variant is not expected to disrupt WNK1 protein function with a negative predictive value of 95%. In summary, the available evidence is currently insufficient to determine the role of this variant in disease. Therefore, it has been classified as a Variant of Uncertain Significance.

NM_018979.4(WNK1):c.574G>C (p.Glu192Gln)

Gene: WNK1 (WNK lysine deficient protein kinase 1; plus strand). Cytogenetic location: 12p13.33.
Variant type: single nucleotide variant.
Coding change: c.574G>C on transcript NM_018979.4 (MANE Select); coding-DNA position 574, G replaced by C.
Protein change: p.Glu192Gln; replaces glutamic acid 192 with glutamine.
Molecular consequence: missense variant.
Genome position (GRCh38, 1-based): chr12:754,139, G>C. VCF-style: chr12-754139-G-C. GRCh37 (hg19) VCF-style: chr12-863305-G-C.
Other names: c.574G>C, p.Glu192Gln (NM_001184985.2, NM_014823.3, NM_213655.5); short protein forms E192Q.
Identifiers: ClinVar variation 4789460 (VCV004789460.1).